The following is an entry in ClinVar:

ClinVar aggregate classification (germline): Uncertain significance (1 of 4 stars; one submission).

Conditions:
Inborn genetic diseases. Identifiers: MedGen C0950123, MeSH D030342.

Submission:

Ambry Genetics
Classification: Uncertain significance for Inborn genetic diseases. Last evaluated: 2025-02-02. Review status: criteria provided, single submitter. Criteria: Ambry Variant Classification Scheme 2023. Collection method: clinical testing. Allele origin: germline.
Comment: The p.P304S variant (also known as c.910C>T), located in coding exon 9 of the RTEL1 gene, results from a C to T substitution at nucleotide position 910. The proline at codon 304 is replaced by serine, an amino acid with similar properties. This amino acid position is conserved. In addition, this alteration is predicted to be tolerated by in silico analysis. Based on the available evidence, the clinical significance of this variant remains unclear.

NM_001283009.2(RTEL1):c.910C>T (p.Pro304Ser)

Genes: RTEL1 (regulator of telomere elongation helicase 1; plus strand), RTEL1-TNFRSF6B (RTEL1-TNFRSF6B readthrough (NMD candidate); plus strand). Cytogenetic location: 20q13.33.
Variant type: single nucleotide variant.
Coding change: c.910C>T on transcript NM_001283009.2 (MANE Select); coding-DNA position 910, C replaced by T.
Protein change: p.Pro304Ser; replaces proline 304 with serine.
Molecular consequence: missense variant. On other transcripts: non-coding transcript variant (1).
Genome position (GRCh38, 1-based): chr20:63,674,084, C>T. VCF-style: chr20-63674084-C-T. GRCh37 (hg19) VCF-style: chr20-62305437-C-T.
Other names: c.241C>T, p.Pro81Ser (NM_001283010.1); c.910C>T, p.Pro304Ser (NM_016434.4); c.982C>T, p.Pro328Ser (NM_032957.5); short protein forms P328S, P304S, P81S.
Identifiers: ClinVar variation 3791111 (VCV003791111.1).